The following is an entry in ClinVar:

NM_001089.3(ABCA3):c.2822T>C (p.Leu941Pro)

Gene: ABCA3 (ATP binding cassette subfamily A member 3; minus strand). Cytogenetic location: 16p13.3.
Variant type: single nucleotide variant.
Coding change: c.2822T>C on transcript NM_001089.3 (MANE Select); coding-DNA position 2822, T replaced by C.
Protein change: p.Leu941Pro; replaces leucine 941 with proline.
Molecular consequence: missense variant.
Genome position (GRCh38, 1-based): chr16:2,288,208, A>G on the plus strand (T>C on the coding strand, the complement: ABCA3 is on the minus strand). VCF-style: chr16-2288208-A-G. GRCh37 (hg19) VCF-style: chr16-2338209-A-G.
Other names: short protein forms L941P.
Identifiers: ClinVar variation 2137768 (VCV002137768.2), dbSNP rs964963069, ClinGen allele CA276825029.

ClinVar aggregate classification (germline): Uncertain significance. Review status: criteria provided, multiple submitters, no conflicts (2 of 4 stars). 2 submissions from 2 submitters: Uncertain significance (2). Last evaluated 2024-08-06.

Allele frequency attached by ClinVar (database versions not stated): gnomAD exomes 0.00001.
gnomAD v4.1: 3 of 1,601,176 alleles (0.00019%); highest among the groups gnomAD compares: Non-Finnish European, 0.00026%; no homozygotes.

Submissions (2):

Women's Health and Genetics/Laboratory Corporation of America, LabCorp
Classification: Uncertain significance. Last evaluated: 2024-08-06. Review status: criteria provided, single submitter. Criteria: LabCorp Variant Classification Summary - May 2015. Collection method: clinical testing. Allele origin: germline.
Comment: Variant summary: ABCA3 c.2822T>C (p.Leu941Pro) results in a non-conservative amino acid change located in the ABC-2 type transporter, transmembrane domain (IPR013525) of the encoded protein sequence. Five of five in-silico tools predict a damaging effect of the variant on protein function. The variant allele was found at a frequency of 4.5e-06 in 224696 control chromosomes. The available data on variant occurrences in the general population are insufficient to allow any conclusion about variant significance. c.2822T>C has been reported in the literature in a compound heterozygous individual affected with Pulmonary surfactant metabolism dysfunction and a heterozygous individual with an unknown second allele variant affected with severe neonatal respiratory distress syndrome (Agrawal_2012, Peca_2011). These data do not allow any conclusion about variant significance. To our knowledge, no experimental evidence demonstrating an impact on protein function has been reported. The following publications have been ascertained in the context of this evaluation (PMID: 22337229, 21867529). ClinVar contains an entry for this variant (Variation ID: 2137768). Based on the evidence outlined above, the variant was classified as uncertain significance.

Labcorp Genetics (formerly Invitae), Labcorp
Classification: Uncertain significance. Last evaluated: 2022-03-11. Review status: criteria provided, single submitter. Criteria: Invitae Variant Classification Sherloc (09022015). Collection method: clinical testing. Allele origin: germline.
Comment: This sequence change replaces leucine, which is neutral and non-polar, with proline, which is neutral and non-polar, at codon 941 of the ABCA3 protein (p.Leu941Pro). This variant is present in population databases (no rsID available, gnomAD 0.001%). This missense change has been observed in individual(s) with Surfactant metabolism dysfunction, pulmonary, 3 (PMID: 21867529, 22337229). Algorithms developed to predict the effect of missense changes on protein structure and function (SIFT, PolyPhen-2, Align-GVGD) all suggest that this variant is likely to be disruptive. In summary, the available evidence is currently insufficient to determine the role of this variant in disease. Therefore, it has been classified as a Variant of Uncertain Significance.

Literature cited by the submitters: PubMed 22337229 (cited by Women's Health and Genetics/Laboratory Corporation of America, LabCorp and Labcorp Genetics (formerly Invitae), Labcorp); PubMed 21867529 (cited by Women's Health and Genetics/Laboratory Corporation of America, LabCorp and Labcorp Genetics (formerly Invitae), Labcorp).